The following is an entry in ClinVar:

ClinVar aggregate classification (germline): Uncertain significance (1 of 4 stars; one submission).

Conditions:
Arrhythmogenic right ventricular dysplasia 11. Also called: Arrhythmogenic right ventricular dysplasia 11 with mild palmoplantar keratoderma and woolly hair; Arrhythmogenic Right Ventricular Dysplasia/Cardiomyopathy11; ARRHYTHMOGENIC RIGHT VENTRICULAR DYSPLASIA, FAMILIAL, 11. Identifiers: MedGen C1864850, MONDO:0012506, OMIM 610476.

gnomAD v4.1: 1 of 1,613,496 alleles (0.000062%); highest among the groups gnomAD compares: Non-Finnish European, 0.000085%; no homozygotes.

Submission:

Labcorp Genetics (formerly Invitae), Labcorp
Classification: Uncertain significance for Arrhythmogenic right ventricular dysplasia 11. Last evaluated: 2021-09-20. Review status: criteria provided, single submitter. Criteria: Invitae Variant Classification Sherloc (09022015). Collection method: clinical testing. Allele origin: germline.
Comment: This sequence change replaces proline with histidine at codon 889 of the DSC2 protein (p.Pro889His). The proline residue is highly conserved and there is a moderate physicochemical difference between proline and histidine. This variant is not present in population databases (ExAC no frequency). This variant has not been reported in the literature in individuals affected with DSC2-related conditions. Algorithms developed to predict the effect of missense changes on protein structure and function are either unavailable or do not agree on the potential impact of this missense change (SIFT: "Deleterious"; PolyPhen-2: "Probably Damaging"; Align-GVGD: "Class C0"). In summary, the available evidence is currently insufficient to determine the role of this variant in disease. Therefore, it has been classified as a Variant of Uncertain Significance.

NM_024422.6(DSC2):c.2666C>A (p.Pro889His)

Gene: DSC2 (desmocollin 2; minus strand). Cytogenetic location: 18q12.1.
Variant type: single nucleotide variant.
Coding change: c.2666C>A on transcript NM_024422.6 (MANE Select); coding-DNA position 2666, C replaced by A.
Protein change: p.Pro889His; replaces proline 889 with histidine.
Molecular consequence: missense variant. On other transcripts: 3 prime UTR variant (1).
Genome position (GRCh38, 1-based): chr18:31,068,055, G>T on the plus strand (C>A on the coding strand, the complement: DSC2 is on the minus strand). VCF-style: chr18-31068055-G-T. GRCh37 (hg19) VCF-style: chr18-28648021-G-T.
Other names: c.*168C>A (NM_004949.5); short protein forms P889H.
Identifiers: ClinVar variation 1491801 (VCV001491801.1), dbSNP rs2144780689, ClinGen allele CA402110114.